The following is an entry in ClinVar:

ClinVar aggregate classification (germline): Likely pathogenic (1 of 4 stars; one submission).

Conditions:
Familial hemophagocytic lymphohistiocytosis 3 (FHL3). Also called: UNC13D-Related Familial Hemophagocytic Lymphohistiocytosis (UNC13D-fHLH). Identifiers: Orphanet 540, MedGen C1837174, MONDO:0012146, OMIM 608898.

gnomAD v4.1: 2 of 1,611,480 alleles (0.00012%); highest among the groups gnomAD compares: Admixed American, 0.0017%; no homozygotes.

Submission:

Labcorp Genetics (formerly Invitae), Labcorp
Classification: Likely pathogenic for Familial hemophagocytic lymphohistiocytosis 3. Last evaluated: 2024-03-10. Review status: criteria provided, single submitter. Criteria: Invitae Variant Classification Sherloc (09022015). Collection method: clinical testing. Allele origin: germline.
Comment: This sequence change affects a donor splice site in intron 1 of the UNC13D gene. It is expected to disrupt RNA splicing. Variants that disrupt the donor or acceptor splice site typically lead to a loss of protein function (PMID: 16199547), and loss-of-function variants in UNC13D are known to be pathogenic (PMID: 14622600). This variant is not present in population databases (gnomAD no frequency). This variant has not been reported in the literature in individuals affected with UNC13D-related conditions. Algorithms developed to predict the effect of sequence changes on RNA splicing suggest that this variant may disrupt the consensus splice site. In summary, the currently available evidence indicates that the variant is pathogenic, but additional data are needed to prove that conclusively. Therefore, this variant has been classified as Likely Pathogenic.

Literature cited by the submitters: PubMed 16199547; PubMed 14622600.

NM_199242.3(UNC13D):c.117+1G>A

Gene: UNC13D (unc-13 homolog D; minus strand). Cytogenetic location: 17q25.1.
Variant type: single nucleotide variant.
Coding change: c.117+1G>A on transcript NM_199242.3 (MANE Select); the canonical splice donor site of the intron after coding-DNA position 117, G replaced by A.
Molecular consequence: splice donor variant.
Genome position (GRCh38, 1-based): chr17:75,844,220, C>T on the plus strand (G>A on the coding strand, the complement: UNC13D is on the minus strand). VCF-style: chr17-75844220-C-T. GRCh37 (hg19) VCF-style: chr17-73840301-C-T.
Identifiers: ClinVar variation 3611623 (VCV003611623.3).